The following is an entry in ClinVar:

ClinVar aggregate classification (germline): Uncertain significance. Review status: criteria provided, multiple submitters, no conflicts (2 of 4 stars). 5 submissions from 5 submitters: Uncertain significance (5). Last evaluated 2025-10-23.

Conditions:
Hereditary cancer-predisposing syndrome. Also called: Neoplastic Syndromes, Hereditary; Tumor predisposition; Hereditary Cancer Syndrome; Hereditary neoplastic syndrome. Identifiers: Orphanet 140162, MedGen C0027672, MeSH D009386, MONDO:0015356.
Familial adenomatous polyposis 1 (FAP1). Also called: FAMILIAL ADENOMATOUS POLYPOSIS 1, ATTENUATED; POLYPOSIS, ADENOMATOUS INTESTINAL. Identifiers: MedGen C2713442, MONDO:0021056, OMIM 175100. Disease mechanism: loss of function.

Allele frequency attached by ClinVar (database versions not stated): TOPMed below 0.00001; gnomAD 0.00001.
gnomAD v4.1: 4 of 1,614,048 alleles (0.00025%); highest among the groups gnomAD compares: South Asian, 0.0033%; no homozygotes.

Submissions (5):

Ambry Genetics
Classification: Uncertain significance for Hereditary cancer-predisposing syndrome. Last evaluated: 2025-10-23. Review status: criteria provided, single submitter. Criteria: Ambry Variant Classification Scheme 2023. Collection method: clinical testing. Allele origin: germline.
Comment: The p.V1077L variant (also known as c.3229G>C), located in coding exon 15 of the APC gene, results from a G to C substitution at nucleotide position 3229. The valine at codon 1077 is replaced by leucine, an amino acid with highly similar properties. This amino acid position is not well conserved in available vertebrate species. In addition, in silico predictors for this gene do not accurately predict pathogenicity. Since supporting evidence is limited at this time, the clinical significance of this alteration remains unclear.

Labcorp Genetics (formerly Invitae), Labcorp
Classification: Uncertain significance for Familial adenomatous polyposis 1. Last evaluated: 2025-10-05. Review status: criteria provided, single submitter. Criteria: Invitae Variant Classification Sherloc (09022015). Collection method: clinical testing. Allele origin: germline.
Comment: This sequence change replaces valine, which is neutral and non-polar, with leucine, which is neutral and non-polar, at codon 1077 of the APC protein (p.Val1077Leu). This variant is not present in population databases (gnomAD no frequency). This variant has not been reported in the literature in individuals affected with APC-related conditions. ClinVar contains an entry for this variant (Variation ID: 485123). Invitae Evidence Modeling of protein sequence and biophysical properties (such as structural, functional, and spatial information, amino acid conservation, physicochemical variation, residue mobility, and thermodynamic stability) indicates that this missense variant is not expected to disrupt APC protein function with a negative predictive value of 95%. In summary, the available evidence is currently insufficient to determine the role of this variant in disease. Therefore, it has been classified as a Variant of Uncertain Significance.

Color Diagnostics, LLC DBA Color Health
Classification: Uncertain significance for Hereditary cancer-predisposing syndrome. Last evaluated: 2023-12-05. Review status: criteria provided, single submitter. Criteria: ACMG Guidelines, 2015. Collection method: clinical testing. Allele origin: germline.
Comment: This missense variant replaces valine with leucine at codon 1077 of the APC protein. Computational prediction tools and conservation analyses are inconclusive regarding the impact of this variant on protein structure and function. Splice site prediction tools suggest that this variant may not impact RNA splicing. To our knowledge, functional studies have not been performed for this variant. This variant has not been reported in individuals affected with hereditary cancer in the literature. This variant has not been identified in the general population by the Genome Aggregation Database (gnomAD). The available evidence is insufficient to determine the role of this variant in disease conclusively. Therefore, this variant is classified as a Variant of Uncertain Significance.

Mendelics
Classification: Uncertain significance. Last evaluated: 2022-05-04. Review status: criteria provided, single submitter. Criteria: Mendelics Assertion Criteria 2019. Collection method: clinical testing. Allele origin: germline.

Sema4
Classification: Uncertain significance for Hereditary cancer-predisposing syndrome. Last evaluated: 2021-11-29. Review status: criteria provided, single submitter. Criteria: Sema4 Curation Guidelines. Collection method: curation. Allele origin: germline.
Comment: The APC c.3229G>C (p.V1077L) variant has not been reported in the literature to our knowledge. It was not observed in the large and broad cohorts of the Genome Aggregation Database (PMID: 32461654). This variant has been reported in ClinVar (Variation ID 485123). Functional studies have not been performed, and in silico predictions of the variant's effect on protein function are inconclusive. The evidence is insufficient to meet ACMG/AMP criteria for classifying the variant as benign or pathogenic. Thus, the clinical significance of this variant is currently uncertain.

NM_000038.6(APC):c.3229G>C (p.Val1077Leu)

Gene: APC (APC regulator of Wnt signaling pathway; plus strand). Cytogenetic location: 5q22.2.
Variant type: single nucleotide variant.
Coding change: c.3229G>C on transcript NM_000038.6 (MANE Select); coding-DNA position 3229, G replaced by C.
Protein change: p.Val1077Leu; replaces valine 1077 with leucine.
Molecular consequence: missense variant.
Genome position (GRCh38, 1-based): chr5:112,838,823, G>C. VCF-style: chr5-112838823-G-C. GRCh37 (hg19) VCF-style: chr5-112174520-G-C.
Other names: c.3229G>C, p.Val1077Leu (NM_001127510.3, NM_001354895.2); c.3175G>C, p.Val1059Leu (NM_001127511.3); c.3283G>C, p.Val1095Leu (NM_001354896.2); c.3259G>C, p.Val1087Leu (NM_001354897.2); c.3154G>C, p.Val1052Leu (NM_001354898.2); c.3145G>C, p.Val1049Leu (NM_001354899.2); c.3106G>C, p.Val1036Leu (NM_001354900.2); c.3052G>C, p.Val1018Leu (NM_001354901.2); and 5 more; short protein forms V1077L, V1059L, V1018L, V1049L, V1087L, V794L, V976L, V986L.
Identifiers: ClinVar variation 485123 (VCV000485123.22), dbSNP rs1332655563, ClinGen allele CA16028416.
Genomic context (GRCh38, chr5:112,838,823, plus strand): 5'-GAAGATGAAATAAAACAAAGTGAGCAAAGACAATCAAGGAATCAAAGTACAACTTATCCT[G>C]TTTATACTGAGAGCACTGATGATAAACACCTCAAGTTCCAACCACATTTTGGACAGCAGG-3'
Protein context (NP_000029.2, residues 1067-1087): QSRNQSTTYP[Val1077Leu]YTESTDDKHL